The following is an entry in ClinVar:

ClinVar aggregate classification (germline): Conflicting classifications of pathogenicity. Review status: criteria provided, conflicting classifications (1 of 4 stars). 4 submissions from 4 submitters: Uncertain significance (1); Likely benign (3). Last evaluated 2025-07-06.

Conditions:
3-methylglutaconic aciduria with deafness, encephalopathy, and Leigh-like syndrome (MEGDEL). Also called: SERAC1 Deficiency; 3-METHYLGLUTACONIC ACIDURIA, TYPE VI; MEGDEL syndrome. Identifiers: Orphanet 352328, MedGen C4040739, MONDO:0013875, OMIM 614739.

Submissions (4):

Labcorp Genetics (formerly Invitae), Labcorp
Classification: Likely benign for 3-methylglutaconic aciduria with deafness, encephalopathy, and Leigh-like syndrome. Last evaluated: 2025-07-06. Review status: criteria provided, single submitter. Criteria: Invitae Variant Classification Sherloc (09022015). Collection method: clinical testing. Allele origin: germline.

GeneDx
Classification: Likely benign. Last evaluated: 2023-02-28. Review status: criteria provided, single submitter. Criteria: GeneDx Variant Classification Process June 2021. Collection method: clinical testing. Allele origin: germline. Affected: yes.
Comment: See Variant Classification Assertion Criteria.

Genome-Nilou Lab
Classification: Likely benign for 3-methylglutaconic aciduria with deafness, encephalopathy, and Leigh-like syndrome. Last evaluated: 2022-03-15. Review status: criteria provided, single submitter. Criteria: ACMG Guidelines, 2015. Collection method: clinical testing. Allele origin: germline. Affected: no.

Revvity Omics, Revvity
Classification: Uncertain significance for 3-methylglutaconic aciduria with deafness, encephalopathy, and Leigh-like syndrome. Last evaluated: 2021-04-06. Review status: criteria provided, single submitter. Criteria: ACMG Guidelines, 2015. Collection method: clinical testing. Allele origin: germline.

NM_032861.4(SERAC1):c.98TAA[1] (p.Ile34del)

Gene: SERAC1 (serine active site containing 1; minus strand). Cytogenetic location: 6q25.3.
Variant type: Microsatellite.
Coding change: c.98TAA[1] on transcript NM_032861.4 (MANE Select); one copy of the 3-base unit TAA starting at c.98; the reference has two copies in a row; one copy, 3 bases deleted; also written c.101_103del.
Protein change: p.Ile34del; deletes isoleucine 34.
Molecular consequence: inframe deletion. On other transcripts: non-coding transcript variant (1).
Genome position (GRCh38, 1-based): chr6:158,155,340-158,155,342, TTA deleted on the plus strand (TAA on the coding strand, the reverse complement: SERAC1 is on the minus strand); deleting any 3 consecutive bases within chr6:158,155,340-158,155,346 gives the same sequence; the position shown is the placement nearest the transcript's 3' end. VCF-style (leftmost placement, unchanged base first): chr6-158155339-TTTA-T. GRCh37 (hg19) VCF-style: chr6-158576371-TTTA-T.
Other names: c.101_103del (NM_032861.4); short protein forms I34del.
Identifiers: ClinVar variation 723166 (VCV000723166.18), dbSNP rs754630732, ClinGen allele CA4071458.